The following is an entry in ClinVar:

ClinVar aggregate classification (germline): Uncertain significance. Review status: criteria provided, multiple submitters, no conflicts (2 of 4 stars). 6 submissions from 5 submitters: Uncertain significance (6). Last evaluated 2024-11-22.

Conditions:
Autosomal recessive nonsyndromic hearing loss 31. Also called: WHIRLER, MOUSE, HOMOLOG OF. Identifiers: Orphanet 90636, MedGen C1846839, MONDO:0011767, OMIM 607084.
Usher syndrome type 2D. Also called: USHER SYNDROME, TYPE IID. Identifiers: Orphanet 231178, Orphanet 886, MedGen C1568249, MONDO:0012662, OMIM 611383.

Allele frequency attached by ClinVar (database versions not stated): gnomAD 0.00001 and 0.00002; TOPMed 0.00001; ExAC 0.00008; gnomAD exomes 0.00012; 1000 Genomes Project 0.00020; 1000 Genomes Project 30x 0.00031.
gnomAD v4.1: 38 of 1,613,640 alleles (0.0024%); highest among the groups gnomAD compares: Admixed American, 0.063%; no homozygotes.

Submissions (6):

GeneDx
Classification: Uncertain significance. Last evaluated: 2024-11-22. Review status: criteria provided, single submitter. Criteria: GeneDx Variant Classification Process June 2021. Collection method: clinical testing. Allele origin: germline. Affected: yes.
Comment: In silico analysis supports that this missense variant does not alter protein structure/function; Has not been previously published as pathogenic or benign to our knowledge

Labcorp Genetics (formerly Invitae), Labcorp
Classification: Uncertain significance. Last evaluated: 2022-10-24. Review status: criteria provided, single submitter. Criteria: Invitae Variant Classification Sherloc (09022015). Collection method: clinical testing. Allele origin: germline.
Comment: This sequence change replaces proline, which is neutral and non-polar, with threonine, which is neutral and polar, at codon 686 of the WHRN protein (p.Pro686Thr). This variant is present in population databases (rs201690920, gnomAD 0.09%). This variant has not been reported in the literature in individuals affected with WHRN-related conditions. ClinVar contains an entry for this variant (Variation ID: 45666). Algorithms developed to predict the effect of missense changes on protein structure and function are either unavailable or do not agree on the potential impact of this missense change (SIFT: "Deleterious"; PolyPhen-2: "Probably Damaging"; Align-GVGD: "Class C0"). In summary, the available evidence is currently insufficient to determine the role of this variant in disease. Therefore, it has been classified as a Variant of Uncertain Significance.

Illumina Laboratory Services, Illumina
Classification: Uncertain significance for Usher syndrome type 2D. Last evaluated: 2018-01-13. Review status: criteria provided, single submitter. Criteria: ICSL Variant Classification Criteria 13 December 2019. Collection method: clinical testing. Allele origin: germline.

Illumina Laboratory Services, Illumina
Classification: Uncertain significance for Autosomal recessive nonsyndromic hearing loss 31. Last evaluated: 2018-01-13. Review status: criteria provided, single submitter. Criteria: ICSL Variant Classification Criteria 13 December 2019. Collection method: clinical testing. Allele origin: germline.

Laboratory for Molecular Medicine, Mass General Brigham Personalized Medicine
Classification: Uncertain significance. Last evaluated: 2016-01-19. Review status: criteria provided, single submitter. Criteria: LMM Criteria. Collection method: clinical testing. Allele origin: germline. Observed: 2 variant alleles.
Comment: It has been identified in 10/11564 La tino chromosomes by the Exome Aggregation Consortium (ExAC; dbSNP rs201690920). Although this variant has been seen in the gene ral population, its frequency is not high enough to rule out a pathogenic role. Computational prediction tools and conservation analysis do not provide strong support for or against an impact to the protein. In summary, the clinical signif icance of the p.Pro686Thr variant is uncertain.

Genomic Diagnostic Laboratory, Division of Genomic Diagnostics, Children's Hospital of Philadelphia
Classification: Uncertain significance. Last evaluated: 2015-05-05. Review status: criteria provided, single submitter. Criteria: DGD Variant Analysis Guidelines. Collection method: clinical testing. Allele origin: unknown.

NM_015404.4(WHRN):c.2056C>A (p.Pro686Thr)

Gene: WHRN (whirlin; minus strand). Cytogenetic location: 9q32.
Variant type: single nucleotide variant.
Coding change: c.2056C>A on transcript NM_015404.4 (MANE Select); coding-DNA position 2056, C replaced by A.
Protein change: p.Pro686Thr; replaces proline 686 with threonine.
Molecular consequence: missense variant.
Genome position (GRCh38, 1-based): chr9:114,406,535, G>T on the plus strand (C>A on the coding strand, the complement: WHRN is on the minus strand). VCF-style: chr9-114406535-G-T. GRCh37 (hg19) VCF-style: chr9-117168815-G-T.
Other names: c.907C>A, p.Pro303Thr (NM_001083885.3); c.2056C>A, p.Pro686Thr (NM_001173425.2); c.1003C>A, p.Pro335Thr (NM_001346890.1); short protein forms P686T, P335T, P303T.
Identifiers: ClinVar variation 45666 (VCV000045666.18), dbSNP rs201690920, ClinGen allele CA248642.